The following is an entry in ClinVar:

ClinVar aggregate classification (germline): Uncertain significance (1 of 4 stars; one submission).

Conditions:
Charcot-Marie-Tooth disease axonal type 2U. Also called: CHARCOT-MARIE-TOOTH NEUROPATHY, TYPE 2U; CHARCOT-MARIE-TOOTH DISEASE, AXONAL, AUTOSOMAL DOMINANT, TYPE 2U. Identifiers: Orphanet 397735, MedGen C4084821, MONDO:0014566, OMIM 616280.
Severe early-onset pulmonary alveolar proteinosis due to MARS deficiency. Also called: PULMONARY ALVEOLAR PROTEINOSIS, REUNION ISLAND; Interstitial lung and liver disease. Identifiers: Orphanet 440427, MedGen C4225400, MONDO:0014206, OMIM 615486.

Allele frequency attached by ClinVar (database versions not stated): TOPMed below 0.00001.
gnomAD v4.1: 2 of 1,613,818 alleles (0.00012%); highest among the groups gnomAD compares: Admixed American, 0.0017%; no homozygotes.

Submission:

Labcorp Genetics (formerly Invitae), Labcorp
Classification: Uncertain significance for Charcot-Marie-Tooth disease axonal type 2U; Severe early-onset pulmonary alveolar proteinosis due to MARS deficiency. Last evaluated: 2025-07-28. Review status: criteria provided, single submitter. Criteria: Invitae Variant Classification Sherloc (09022015). Collection method: clinical testing. Allele origin: germline.
Comment: This sequence change falls in intron 2 of the MARS gene. It does not directly change the encoded amino acid sequence of the MARS protein. It affects a nucleotide within the consensus splice site. This variant is present in population databases (rs774241581, gnomAD 0.007%). This variant has not been reported in the literature in individuals affected with MARS-related conditions. ClinVar contains an entry for this variant (Variation ID: 1681677). Variants that disrupt the consensus splice site are a relatively common cause of aberrant splicing (PMID: 17576681, 9536098). Algorithms developed to predict the effect of sequence changes on RNA splicing suggest that this variant is not likely to affect RNA splicing. In summary, the available evidence is currently insufficient to determine the role of this variant in disease. Therefore, it has been classified as a Variant of Uncertain Significance.

Literature cited by the submitters: PubMed 17576681; PubMed 9536098.

NM_004990.4(MARS1):c.200+4A>G

Gene: MARS1 (methionyl-tRNA synthetase 1; plus strand). Cytogenetic location: 12q13.3.
Variant type: single nucleotide variant.
Coding change: c.200+4A>G on transcript NM_004990.4 (MANE Select); 4 bases into the intron after coding-DNA position 200, A replaced by G.
Molecular consequence: intron variant.
Genome position (GRCh38, 1-based): chr12:57,489,113, A>G. VCF-style: chr12-57489113-A-G. GRCh37 (hg19) VCF-style: chr12-57882896-A-G.
Identifiers: ClinVar variation 1681677 (VCV001681677.6), dbSNP rs774241581, ClinGen allele CA6650069.